The following is an entry in ClinVar:

ClinVar aggregate classification (germline): Likely pathogenic (1 of 4 stars; one submission).

Conditions:
Thyroid hormone metabolism, abnormal 1 (THMA1). Also called: Short stature-delayed bone age due to thyroid hormone metabolism deficiency. Identifiers: Orphanet 171706, MedGen C5676891, MONDO:0800046, OMIM 609698.

gnomAD v4.1: 9 of 1,614,206 alleles (0.00056%); highest among the groups gnomAD compares: East Asian, 0.0022%; no homozygotes.

Submission:

First Genomix Gene Laboratory, Genetic Diagnostics Department
Classification: Likely pathogenic for Thyroid hormone metabolism, abnormal 1. Last evaluated: 2025-09-23. Review status: criteria provided, single submitter. Criteria: ACMG Guidelines, 2015. Collection method: clinical testing. Allele origin: germline. Inheritance: Autosomal recessive inheritance. Affected: no. Observed: 1 variant allele.

NM_024077.5(SECISBP2):c.2014C>T (p.Arg672Ter)

Gene: SECISBP2 (SECIS binding protein 2; plus strand). Cytogenetic location: 9q22.2.
Variant type: single nucleotide variant.
Coding change: c.2014C>T on transcript NM_024077.5 (MANE Select); coding-DNA position 2014, C replaced by T.
Protein change: p.Arg672Ter; replaces arginine 672 with a stop codon.
Molecular consequence: nonsense.
Genome position (GRCh38, 1-based): chr9:89,350,753, C>T. VCF-style: chr9-89350753-C-T. GRCh37 (hg19) VCF-style: chr9-91965668-C-T.
Other names: c.2011C>T, p.Arg671Ter (NM_001282688.2); c.1795C>T, p.Arg599Ter (NM_001282689.2); c.1810C>T, p.Arg604Ter (NM_001282690.1); c.1897C>T, p.Arg633Ter (NM_001354696.2); c.1900C>T, p.Arg634Ter (NM_001354697.2); c.1807C>T, p.Arg603Ter (NM_001354698.2); c.1129C>T, p.Arg377Ter (NM_001354702.2); short protein forms R377*, R599*, R603*, R604*, R633*, R634*, R671*, R672*.
Identifiers: ClinVar variation 4850431 (VCV004850431.1).
Genomic context (GRCh38, chr9:89,350,753, plus strand): 5'-CTGGTCCGTTTCCAAGACCGTATGTACCAGAAAGATCCAGTCAAGGCCAAGACTAAACGT[C>T]GACTTGTGTTGGGGTTGAGGGAGGTTCTCAAACACCTGAAGCTCAAAAAACTGAAATGTG-3'